The following is an entry in ClinVar:

ClinVar aggregate classification (germline): Likely benign. Review status: criteria provided, single submitter (1 of 4 stars). 2 submissions from 2 submitters: Likely benign (1). 1 of the submissions does not count toward it. Last evaluated 2023-05-08.

Conditions:
GUF1-related disorder. Also called: GUF1-related condition.

Allele frequency attached by ClinVar (database versions not stated): gnomAD exomes 0.00001 and 0.00004; ExAC 0.00005; TOPMed 0.00014; ESP Exome Variant Server 0.00015; gnomAD 0.00015.
gnomAD v4.1: 35 of 1,590,952 alleles (0.0022%); highest among the groups gnomAD compares: African/African-American, 0.047%; no homozygotes.

Submissions (2):

Labcorp Genetics (formerly Invitae), Labcorp
Classification: Likely benign. Last evaluated: 2023-05-08. Review status: criteria provided, single submitter. Criteria: Invitae Variant Classification Sherloc (09022015). Collection method: clinical testing. Allele origin: germline.

PreventionGenetics, part of Exact Sciences
Classification: Likely benign for GUF1-related condition. Last evaluated: 2019-06-14. Review status: no assertion criteria provided. Collection method: clinical testing. Allele origin: germline. Not counted in ClinVar's aggregate classification.
Comment: This variant is classified as likely benign based on ACMG/AMP sequence variant interpretation guidelines (Richards et al. 2015 PMID: 25741868, with internal and published modifications).

NM_021927.3(GUF1):c.1203-8T>C

Gene: GUF1 (GTP binding elongation factor GUF1; plus strand). Cytogenetic location: 4p12.
Variant type: single nucleotide variant.
Coding change: c.1203-8T>C on transcript NM_021927.3 (MANE Select); 8 bases into the intron before coding-DNA position 1203, T replaced by C.
Molecular consequence: intron variant.
Genome position (GRCh38, 1-based): chr4:44,689,835, T>C. VCF-style: chr4-44689835-T-C. GRCh37 (hg19) VCF-style: chr4-44691852-T-C.
Other names: c.1203-8T>C (NM_021927.2, NM_001345868.2); c.231-8T>C (NM_001345867.2, NM_001345869.2).
Identifiers: ClinVar variation 1459934 (VCV001459934.10), dbSNP rs368897009, ClinGen allele CA2905576.